The following is an entry in ClinVar:

NM_022455.5(NSD1):c.6566_6567dup (p.Met2190fs)

Gene: NSD1 (nuclear receptor binding SET domain protein 1; plus strand). Cytogenetic location: 5q35.3.
Variant type: Duplication.
Coding change: c.6566_6567dup on transcript NM_022455.5 (MANE Select); coding-DNA positions 6566 to 6567, 2 bases duplicated (GG; older notation c.6566_6567dupGG).
Protein change: p.Met2190fs; shifts the reading frame from methionine 2190.
Molecular consequence: frameshift variant.
Genome position (GRCh38, 1-based): chr5:177,293,934-177,293,935, GG duplicated; duplicating any 2 consecutive bases within chr5:177,293,933-177,293,935 gives the same sequence; the c. name uses the placement nearest the transcript's 3' end. VCF-style (leftmost placement, unchanged base first): chr5-177293932-A-AGG. GRCh37 (hg19) VCF-style: chr5-176720933-A-AGG.
Other names: c.5693_5694dup, p.Met1899fs (NM_001365684.2, NM_001409308.1, NM_172349.5); c.6566_6567dup, p.Met2190fs (NM_001409301.1, NM_001409302.1, NM_001409303.1); c.6146_6147dup, p.Met2050fs (NM_001409304.1); c.5813_5814dup, p.Met1939fs (NM_001409305.1); c.5804_5805dup, p.Met1936fs (NM_001409306.1, NM_001409307.1); c.5444_5445dup, p.Met1816fs (NM_001409309.1); short protein forms M1936fs, M1939fs, M2050fs, M1816fs, M1899fs, M2190fs.
Identifiers: ClinVar variation 2692474 (VCV002692474.1), dbSNP rs2480829068, ClinGen allele CA2697546198.

ClinVar aggregate classification (germline): Pathogenic (1 of 4 stars; one submission).

Conditions:
Sotos syndrome (SOTOS). Also called: CEREBRAL GIGANTISM; Sotos' syndrome; Distinctive facial appearance, overgrowth in childhood, and learning disabilities or delayed development; CHROMOSOME 5q35 DELETION SYNDROME; SOTOS SYNDROME 1. Identifiers: Orphanet 821, MedGen C0175695, MONDO:0019349, OMIM 117550.

Submission:

Greenwood Genetic Center Diagnostic Laboratories, Greenwood Genetic Center
Classification: Pathogenic for Sotos syndrome. Last evaluated: 2023-11-22. Review status: criteria provided, single submitter. Criteria: ACMG Guidelines, 2015. Collection method: clinical testing. Allele origin: germline. Affected: yes.
Comment: PVS1, PS2, PM2